The following is an entry in ClinVar:

ClinVar aggregate classification (germline): Conflicting classifications of pathogenicity. Review status: criteria provided, conflicting classifications (1 of 4 stars). 9 submissions from 9 submitters: Uncertain significance (5); Benign (1); Likely benign (3). Last evaluated 2025-09-15.

Conditions:
Hereditary cancer-predisposing syndrome. Also called: Hereditary Cancer Syndrome; Neoplastic Syndromes, Hereditary; Hereditary neoplastic syndrome; Tumor predisposition. Identifiers: Orphanet 140162, MedGen C0027672, MeSH D009386, MONDO:0015356.
Familial adenomatous polyposis 1 (FAP1). Also called: FAMILIAL ADENOMATOUS POLYPOSIS 1, ATTENUATED; POLYPOSIS, ADENOMATOUS INTESTINAL. Identifiers: MedGen C2713442, MONDO:0021056, OMIM 175100. Disease mechanism: loss of function.
Classic or attenuated familial adenomatous polyposis. Identifiers: MedGen CN372698, MONDO:0021057.

Allele frequency attached by ClinVar (database versions not stated): gnomAD exomes 0.00002 and 0.00003; ExAC 0.00004.
gnomAD v4.1: 12 of 1,613,964 alleles (0.00074%); highest among the groups gnomAD compares: East Asian, 0.025%; no homozygotes.

Submissions (9):

Labcorp Genetics (formerly Invitae), Labcorp
Classification: Likely benign for Familial adenomatous polyposis 1. Last evaluated: 2025-09-15. Review status: criteria provided, single submitter. Criteria: Invitae Variant Classification Sherloc (09022015). Collection method: clinical testing. Allele origin: germline.

Myriad Genetics, Inc.
Classification: Likely benign for Familial adenomatous polyposis 1. Last evaluated: 2025-01-27. Review status: criteria provided, single submitter. Criteria: Myriad Autosomal Dominant, Autosomal Recessive and X-Linked Classification Criteria (2023). Collection method: clinical testing. Allele origin: unknown.
Comment: This variant is considered likely benign. This variant has been observed at a population frequency that is significantly greater than expected given the associated disease prevalence and penetrance.

Color Diagnostics, LLC DBA Color Health
Classification: Likely benign for Hereditary cancer-predisposing syndrome. Last evaluated: 2024-04-18. Review status: criteria provided, single submitter. Criteria: ACMG Guidelines, 2015. Collection method: clinical testing. Allele origin: germline.

Baylor Genetics
Classification: Uncertain significance for Familial adenomatous polyposis 1. Last evaluated: 2024-02-19. Review status: criteria provided, single submitter. Criteria: ACMG Guidelines, 2015. Collection method: clinical testing. Allele origin: unknown.

All of Us Research Program, National Institutes of Health
Classification: Uncertain significance for Classic or attenuated familial adenomatous polyposis. Last evaluated: 2024-01-11. Review status: criteria provided, single submitter. Criteria: ACMG Guidelines, 2015. Collection method: clinical testing. Allele origin: germline. Inheritance: Autosomal dominant inheritance. Observed: 1 variant allele, 1 heterozygote.
Comment: This missense variant replaces leucine with isoleucine at codon 2384 of the APC protein. Computational prediction suggests that this variant may not impact protein structure and function (internally defined REVEL score threshold <= 0.5, PMID: 27666373). To our knowledge, functional studies have not been reported for this variant. This variant has not been reported in individuals affected with hereditary cancer in the literature. This variant has been identified in 7/250266 chromosomes in the general population by the Genome Aggregation Database (gnomAD) and in multiple healthy control individuals (PMID: 32980694). The available evidence is insufficient to determine the role of this variant in disease conclusively. Therefore, this variant is classified as a Variant of Uncertain Significance.

This study involves interpretation of variants in research participants for the purpose of population health screening. Participant phenotype was not available at the time of variant classification. Additional details can be found in publication PMID: 35346344, PMCID: PMC8962531

GeneDx
Classification: Uncertain significance. Last evaluated: 2022-03-11. Review status: criteria provided, single submitter. Criteria: GeneDx Variant Classification Process June 2021. Collection method: clinical testing. Allele origin: germline. Affected: yes.
Comment: In silico analysis supports that this missense variant does not alter protein structure/function; Has not been previously published as pathogenic or benign to our knowledge

Ambry Genetics
Classification: Benign for Hereditary cancer-predisposing syndrome. Last evaluated: 2021-10-20. Review status: criteria provided, single submitter. Criteria: Ambry Variant Classification Scheme 2023. Collection method: clinical testing. Allele origin: germline.

Sema4
Classification: Uncertain significance for Hereditary cancer-predisposing syndrome. Last evaluated: 2021-07-13. Review status: criteria provided, single submitter. Criteria: Sema4 Curation Guidelines. Collection method: curation. Allele origin: germline.
Comment: The APC c.7150T>A (p.L2384I) variant has not been reported in the literature to our knowledge. It was observed in 7/18372 chromosomes of the East Asian subpopulation in the large and broad cohorts of the Genome Aggregation Database (PMID: 32461654). The variant has been reported in ClinVar (Variation ID 428142). Functional studies have not been performed and in silico tool predictions of the variants effect on protein function are inconclusive. The evidence is insufficient to meet ACMG/AMP criteria for classifying the variant as benign or pathogenic. Thus, the clinical significance of this variant is currently uncertain.

St. Jude Molecular Pathology, St. Jude Children's Research Hospital
Classification: Uncertain significance for Familial adenomatous polyposis 1. Last evaluated: 2021-06-10. Review status: criteria provided, single submitter. Criteria: St. Jude Assertion Criteria 2020. Collection method: clinical testing. Allele origin: germline.
Comment: The APC c.7150T>A (p.Leu2384Ile) missense change has a maximum subpopulation frequency of 0.038% in gnomAD v2.1.1. Five of six in silico tools predict a benign effect of this variant on protein function (BP4), but to our knowledge these predictions have not been confirmed by functional assays. To our knowledge, this variant has not been reported in individuals with familial adenomatous polyposis. In summary, this variant meets criteria to be classified as of uncertain significance based on the ACMG/AMP criteria: BP4.

Literature cited by the submitters: PubMed 32980694 (cited by All of Us Research Program, National Institutes of Health).

NM_000038.6(APC):c.7150T>A (p.Leu2384Ile)

Gene: APC (APC regulator of Wnt signaling pathway; plus strand). Cytogenetic location: 5q22.2.
Variant type: single nucleotide variant.
Coding change: c.7150T>A on transcript NM_000038.6 (MANE Select); coding-DNA position 7150, T replaced by A.
Protein change: p.Leu2384Ile; replaces leucine 2384 with isoleucine.
Molecular consequence: missense variant.
Genome position (GRCh38, 1-based): chr5:112,842,744, T>A. VCF-style: chr5-112842744-T-A. GRCh37 (hg19) VCF-style: chr5-112178441-T-A.
Other names: c.7150T>A, p.Leu2384Ile (NM_001127510.3, NM_001354895.2); c.7096T>A, p.Leu2366Ile (NM_001127511.3); c.7204T>A, p.Leu2402Ile (NM_001354896.2); c.7180T>A, p.Leu2394Ile (NM_001354897.2); c.7075T>A, p.Leu2359Ile (NM_001354898.2); c.7066T>A, p.Leu2356Ile (NM_001354899.2); c.7027T>A, p.Leu2343Ile (NM_001354900.2); c.6973T>A, p.Leu2325Ile (NM_001354901.2); and 6 more; short protein forms L2366I, L2384I, L2293I, L2325I, L2101I, L2359I, L2258I, L2343I.
Identifiers: ClinVar variation 428142 (VCV000428142.25), dbSNP rs755345693, ClinGen allele CA047103.